The following is an entry in ClinVar:

NM_000302.4(PLOD1):c.986A>G (p.His329Arg)

Gene: PLOD1 (procollagen-lysine,2-oxoglutarate 5-dioxygenase 1; plus strand). Cytogenetic location: 1p36.22.
Variant type: single nucleotide variant.
Coding change: c.986A>G on transcript NM_000302.4 (MANE Select); coding-DNA position 986, A replaced by G.
Protein change: p.His329Arg; replaces histidine 329 with arginine.
Molecular consequence: missense variant.
Genome position (GRCh38, 1-based): chr1:11,960,656, A>G. VCF-style: chr1-11960656-A-G. GRCh37 (hg19) VCF-style: chr1-12020713-A-G.
Other names: c.1127A>G, p.His376Arg (NM_001316320.2); short protein forms H329R, H376R.
Identifiers: ClinVar variation 3890555 (VCV003890555.1).
Genomic context (GRCh38, chr1:11,960,656, plus strand): 5'-CTGTGTCCTCCTCCTCACCCCCGCATCCCCTTCCCCATCCCCAACCCCAGGAGCAGCACC[A>G]CAAGGCTCAGGTGGAAGAGTTCCTGGCACAGCATGGCAGCGAGTACCAGTCTGTGAAGCT-3'
Protein context (NP_000293.2, residues 319-339): RLFIHNHEQH[His329Arg]KAQVEEFLAQ

ClinVar aggregate classification (germline): Uncertain significance (1 of 4 stars; one submission).

Conditions:
Familial thoracic aortic aneurysm and aortic dissection (TAAD). Also called: Thoracic aortic aneurysms and dissections. Identifiers: Orphanet 91387, MedGen C4707243, MONDO:0019625.

gnomAD v4.1: 5 of 1,602,550 alleles (0.00031%); highest among the groups gnomAD compares: African/African-American, 0.004%; no homozygotes.

Submission:

Ambry Genetics
Classification: Uncertain significance for Familial thoracic aortic aneurysm and aortic dissection. Last evaluated: 2025-03-13. Review status: criteria provided, single submitter. Criteria: Ambry Variant Classification Scheme 2023. Collection method: clinical testing. Allele origin: germline.
Comment: The p.H329R variant (also known as c.986A>G), located in coding exon 10 of the PLOD1 gene, results from an A to G substitution at nucleotide position 986. The histidine at codon 329 is replaced by arginine, an amino acid with highly similar properties. This amino acid position is highly conserved in available vertebrate species. In addition, this alteration is predicted to be deleterious by in silico analysis. Based on the available evidence, the clinical significance of this variant remains unclear.